The following is an entry in ClinVar:

ClinVar aggregate classification (germline): Uncertain significance. Review status: criteria provided, multiple submitters, no conflicts (2 of 4 stars). 6 submissions from 6 submitters: Uncertain significance (5). 1 of the submissions does not count toward it. Last evaluated 2026-09-23.

Conditions:
Inborn genetic diseases. Identifiers: MedGen C0950123, MeSH D030342.
Progressive myoclonic epilepsy. Also called: Progressive myoclonus epilepsy; Familial progressive myoclonic epilepsy; Myoclonus epilepsy; Myoclonic Epilepsies, Progressive. Identifiers: Orphanet 308, Orphanet 98261, MedGen C0751778, MONDO:0020074.
Action myoclonus-renal failure syndrome. Also called: MYOCLONUS-NEPHROPATHY SYNDROME; EPILEPSY, PROGRESSIVE MYOCLONIC, 4, WITH RENAL FAILURE; EPILEPSY, PROGRESSIVE MYOCLONIC, 4, WITHOUT RENAL FAILURE; SCARB2-Related Action Myoclonus-Renal Failure Syndrome. Identifiers: Orphanet 163696, MedGen C0751779, MeSH D020191, MONDO:0009699, OMIM 254900.
Self-limited epilepsy with centrotemporal spikes. Also called: Childhood epilepsy with centrotemporal spikes; Rolandic epilepsy. Identifiers: Orphanet 1945, MedGen C0376532, MONDO:0007295.

Allele frequency attached by ClinVar (database versions not stated): gnomAD exomes 0.00005 and 0.00010; ExAC 0.00008; ESP Exome Variant Server 0.00008; TOPMed 0.00011; gnomAD 0.00008; 1000 Genomes Project 30x 0.00031; 1000 Genomes Project 0.00040.
gnomAD v4.1: 164 of 1,613,874 alleles (0.01%); highest among the groups gnomAD compares: Middle Eastern, 0.05%; no homozygotes.

Submissions (6):

GeneDx
Classification: Uncertain significance. Last evaluated: 2026-09-23. Review status: criteria provided, single submitter. Criteria: GeneDx Variant Classification Process June 2021. Collection method: clinical testing. Allele origin: germline.
Comment: Identified in a patient with epilepsy in published literature (PMID: 29358611); Not observed at significant frequency in large population cohorts (gnomAD); In silico analysis supports that this missense variant has a deleterious effect on protein structure/function; This variant is associated with the following publications: (PMID: 29358611)

Labcorp Genetics (formerly Invitae), Labcorp
Classification: Uncertain significance for Progressive myoclonic epilepsy. Last evaluated: 2022-08-09. Review status: criteria provided, single submitter. Criteria: Invitae Variant Classification Sherloc (09022015). Collection method: clinical testing. Allele origin: germline.
Comment: This sequence change replaces methionine, which is neutral and non-polar, with threonine, which is neutral and polar, at codon 337 of the SCARB2 protein (p.Met337Thr). This variant is present in population databases (rs147324129, gnomAD 0.01%). This missense change has been observed in individual(s) with Rolandic epilepsy (PMID: 29358611). ClinVar contains an entry for this variant (Variation ID: 206715). Algorithms developed to predict the effect of missense changes on protein structure and function are either unavailable or do not agree on the potential impact of this missense change (SIFT: "Deleterious"; PolyPhen-2: "Benign"; Align-GVGD: "Class C0"). In summary, the available evidence is currently insufficient to determine the role of this variant in disease. Therefore, it has been classified as a Variant of Uncertain Significance.

Fulgent Genetics
Classification: Uncertain significance for Action myoclonus-renal failure syndrome. Last evaluated: 2021-11-23. Review status: criteria provided, single submitter. Criteria: ACMG Guidelines, 2015. Collection method: clinical testing. Allele origin: unknown.

Ambry Genetics
Classification: Uncertain significance for Inborn genetic diseases. Last evaluated: 2018-09-25. Review status: criteria provided, single submitter. Criteria: Ambry Variant Classification Scheme 2023. Collection method: clinical testing. Allele origin: germline.
Comment: The p.M337T variant (also known as c.1010T>C), located in coding exon 8 of the SCARB2 gene, results from a T to C substitution at nucleotide position 1010. The methionine at codon 337 is replaced by threonine, an amino acid with similar properties. This variant was detected in a cohort of individuals with Rolandic epilepsy; however, complete genotype and phenotype information was not provided (Bobbili DR et al. Eur. J. Hum. Genet., 2018 Feb;26:258-264). This amino acid position is poorly conserved in available vertebrate species. In addition, the in silico prediction for this alteration is inconclusive. Based on available evidence to date, the clinical significance of this alteration remains unclear.

Breakthrough Genomics
Classification: Uncertain significance. Review status: criteria provided, single submitter. Criteria: ACMG Guidelines, 2015. Collection method: not provided. Allele origin: germline. Inheritance: Autosomal recessive inheritance. Affected: yes.

Bioinformatics Core, Luxembourg Center for Systems Biomedicine
Classification: Pathogenic for Self-limited epilepsy with centrotemporal spikes. Last evaluated: 2017-01-01. Review status: no assertion criteria provided. Collection method: case-control. Allele origin: germline. Affected: yes. Study: EUROEPINOMICS COGIE. Not counted in ClinVar's aggregate classification.

Literature cited by the submitters: PubMed 29358611 (cited by 3 submitters).

NM_005506.4(SCARB2):c.1010T>C (p.Met337Thr)

Gene: SCARB2 (scavenger receptor class B member 2; minus strand). Cytogenetic location: 4q21.1.
Variant type: single nucleotide variant.
Coding change: c.1010T>C on transcript NM_005506.4 (MANE Select); coding-DNA position 1010, T replaced by C.
Protein change: p.Met337Thr; replaces methionine 337 with threonine.
Molecular consequence: missense variant.
Genome position (GRCh38, 1-based): chr4:76,169,970, A>G on the plus strand (T>C on the coding strand, the complement: SCARB2 is on the minus strand). VCF-style: chr4-76169970-A-G. GRCh37 (hg19) VCF-style: chr4-77091123-A-G.
Other names: p.M337T:ATG>ACG; c.581T>C, p.Met194Thr (NM_001204255.2); short protein forms M337T, M194T.
Identifiers: ClinVar variation 206715 (VCV000206715.17), dbSNP rs147324129, ClinGen allele CA317076.